The following is an entry in ClinVar:

NM_001370259.2(MEN1):c.1465C>A (p.Pro489Thr)

Gene: MEN1 (menin 1; minus strand). Cytogenetic location: 11q13.1.
Variant type: single nucleotide variant.
Coding change: c.1465C>A on transcript NM_001370259.2 (MANE Select); coding-DNA position 1465, C replaced by A.
Protein change: p.Pro489Thr; replaces proline 489 with threonine.
Molecular consequence: missense variant.
Genome position (GRCh38, 1-based): chr11:64,804,702, G>T on the plus strand (C>A on the coding strand, the complement: MEN1 is on the minus strand). VCF-style: chr11-64804702-G-T. GRCh37 (hg19) VCF-style: chr11-64572174-G-T.
Other names: c.1480C>A, p.Pro494Thr (NM_000244.4, NM_130800.3, NM_130801.3 and 3 more transcripts); c.1591C>A, p.Pro531Thr (NM_001370251.2); c.1465C>A, p.Pro489Thr (NM_001370260.2, NM_001370261.2, NM_130799.3); c.1360C>A, p.Pro454Thr (NM_001370262.2, NM_001370263.2); short protein forms P454T, P489T, P531T, P494T.
Identifiers: ClinVar variation 953268 (VCV000953268.9), dbSNP rs587778440, ClinGen allele CA381179143.

ClinVar aggregate classification (germline): Uncertain significance (1 of 4 stars; one submission).

Conditions:
Multiple endocrine neoplasia, type 1 (MEN1). Also called: MEN I; WERMER SYNDROME; Endocrine adenomatosis multiple; MEN 1; MEA I. Identifiers: Orphanet 652, MedGen C0025267, MeSH D018761, MONDO:0007540, OMIM 131100.

Submission:

Labcorp Genetics (formerly Invitae), Labcorp
Classification: Uncertain significance for Multiple endocrine neoplasia, type 1. Last evaluated: 2024-07-19. Review status: criteria provided, single submitter. Criteria: Invitae Variant Classification Sherloc (09022015). Collection method: clinical testing. Allele origin: germline.
Comment: This sequence change replaces proline, which is neutral and non-polar, with threonine, which is neutral and polar, at codon 489 of the MEN1 protein (p.Pro489Thr). This variant is not present in population databases (gnomAD no frequency). This variant has not been reported in the literature in individuals affected with MEN1-related conditions. ClinVar contains an entry for this variant (Variation ID: 953268). Advanced modeling of protein sequence and biophysical properties (such as structural, functional, and spatial information, amino acid conservation, physicochemical variation, residue mobility, and thermodynamic stability) has been performed at Invitae for this missense variant, however the output from this modeling did not meet the statistical confidence thresholds required to predict the impact of this variant on MEN1 protein function. In summary, the available evidence is currently insufficient to determine the role of this variant in disease. Therefore, it has been classified as a Variant of Uncertain Significance.